The following is an entry in ClinVar:

NM_001195263.2(PDZD7):c.1012del (p.Ser338fs)

Gene: PDZD7 (PDZ domain containing 7; minus strand). Cytogenetic location: 10q24.31.
Variant type: Deletion.
Coding change: c.1012del on transcript NM_001195263.2 (MANE Select); coding-DNA position 1012, one base deleted (A; older notation c.1012delA).
Protein change: p.Ser338fs; shifts the reading frame from serine 338.
Molecular consequence: frameshift variant.
Genome position (GRCh38, 1-based): chr10:101,019,134, T deleted on the plus strand (A on the coding strand, the reverse complement: PDZD7 is on the minus strand). VCF-style (leftmost placement, unchanged base first): chr10-101019133-CT-C. GRCh37 (hg19) VCF-style: chr10-102778890-CT-C.
Other names: c.1012del, p.Ser338fs (NM_001351044.2, NM_024895.5); short protein forms S338fs.
Identifiers: ClinVar variation 560723 (VCV000560723.4), dbSNP rs1564634581, ClinGen allele CA658821238.

ClinVar aggregate classification (germline): Pathogenic. Review status: criteria provided, multiple submitters, no conflicts (2 of 4 stars). 2 submissions from 2 submitters: Pathogenic (2). Last evaluated 2023-09-25.

Conditions:
Usher syndrome type 2A. Also called: RETINAL DISEASE IN USHER SYNDROME TYPE IIA, MODIFIER OF; USHER SYNDROME, TYPE IIA. Identifiers: Orphanet 231178, Orphanet 886, MedGen C1848634, MONDO:0010169, OMIM 276901.

Allele frequency attached by ClinVar (database versions not stated): gnomAD exomes 0.00001.

Submissions (2):

Labcorp Genetics (formerly Invitae), Labcorp
Classification: Pathogenic. Last evaluated: 2023-09-25. Review status: criteria provided, single submitter. Criteria: Invitae Variant Classification Sherloc (09022015). Collection method: clinical testing. Allele origin: germline.
Comment: For these reasons, this variant has been classified as Pathogenic. ClinVar contains an entry for this variant (Variation ID: 560723). This variant has not been reported in the literature in individuals affected with PDZD7-related conditions. This variant is not present in population databases (gnomAD no frequency). This sequence change creates a premature translational stop signal (p.Ser338Alafs*101) in the PDZD7 gene. It is expected to result in an absent or disrupted protein product. Loss-of-function variants in PDZD7 are known to be pathogenic (PMID: 20440071).

MVZ Martinsried, Medicover Genetics
Classification: Pathogenic for Usher syndrome type 2A. Last evaluated: 2018-03-21. Review status: criteria provided, single submitter. Criteria: ACMG Guidelines, 2015. Collection method: clinical testing. Allele origin: unknown. Affected: yes.

Literature cited by the submitters: PubMed 20440071 (cited by Labcorp Genetics (formerly Invitae), Labcorp).